The following is an entry in ClinVar:

ClinVar aggregate classification (germline): Pathogenic (1 of 4 stars; one submission).

Submission:

GeneDx
Classification: Pathogenic. Last evaluated: 2015-09-08. Review status: criteria provided, single submitter. Criteria: GeneDx Variant Classification (06012015). Collection method: clinical testing. Allele origin: germline. Affected: yes.
Comment: The c.725_728delCCTT deletion in the ZIC2 gene causes a frameshift starting with codon Alanine 242, changes this amino acid to a Valine residue and creates a premature Stop codon at position 14 of the new reading frame, denoted p.Ala242ValfsX14. This variant is predicted to cause loss of normal protein function either through protein truncation or nonsense-mediated mRNA decay. Although this deletion has not been previously reported to our knowledge, we interpret it to be a pathogenic variant.

NM_007129.5(ZIC2):c.725_728del (p.Ala242fs)

Gene: ZIC2 (Zic family member 2; plus strand). Cytogenetic location: 13q32.3.
Variant type: Deletion.
Coding change: c.725_728del on transcript NM_007129.5 (MANE Select); coding-DNA positions 725 to 728, 4 bases deleted (CCTT; older notation c.725_728delCCTT).
Protein change: p.Ala242fs; shifts the reading frame from alanine 242.
Molecular consequence: frameshift variant.
Genome position (GRCh38, 1-based): chr13:99,982,789-99,982,792, CCTT deleted. VCF-style (leftmost placement, unchanged base first): chr13-99982788-GCCTT-G. GRCh37 (hg19) VCF-style: chr13-100635042-GCCTT-G.
Other names: short protein forms A242fs.
Identifiers: ClinVar variation 419833 (VCV000419833.2), dbSNP rs1064794138, ClinGen allele CA16619821.
Genomic context (GRCh38, chr13:99,982,788, plus strand): 5'-GGTATGAACATGGCAGCAGCCGCGGCCCACCACCACCACCACCACCACCACCACCCCGGT[GCCTT>G]TTTCCGCTATATGCGGCAGCAGTGCATCAAGCAGGAGCTAATCTGCAAGTGGATCGACCC-3'